The following is an entry in ClinVar:

NM_001903.5(CTNNA1):c.2193-10_2193-9delinsTC

Gene: CTNNA1 (catenin alpha 1; plus strand). Cytogenetic location: 5q31.2.
Variant type: Indel.
Coding change: c.2193-10_2193-9delinsTC on transcript NM_001903.5 (MANE Select); 10 bases into the intron before coding-DNA position 2193 through 9 bases into the intron before coding-DNA position 2193, CT replaced by TC.
Molecular consequence: intron variant.
Genome position (GRCh38, 1-based): chr5:138,930,820-138,930,821, CT replaced by TC. VCF-style: chr5-138930820-CT-TC. GRCh37 (hg19) VCF-style: chr5-138266509-CT-TC.
Other names: c.2193-10_2193-9delinsTC (NM_001323982.2, NM_001323984.2, NM_001290307.3 and 3 more transcripts); c.2100-10_2100-9delinsTC (NM_001323986.2); c.1824-10_1824-9delinsTC (NM_001290310.3); c.1884-10_1884-9delinsTC (NM_001290309.3); c.1083-10_1083-9delinsTC (NM_001323996.1, NM_001323993.1, NM_001324005.1 and 17 more transcripts); c.744-10_744-9delinsTC (NM_001324007.1, NM_001324009.1, NM_001324006.1 and 2 more transcripts); c.840-10_840-9delinsTC (NM_001324013.1, NM_001324012.1); c.990-10_990-9delinsTC (NM_001324011.1).
Identifiers: ClinVar variation 713803 (VCV000713803.11), dbSNP rs1580910946, ClinGen allele CA915942576.
Genomic context (GRCh38, chr5:138,930,820, plus strand): 5'-ATCTTCTTTTTCTACTCCAACTGTGAGGGGCTTCACATACAATAATCCTTGTTCTCTTCC[CT>TC]CTTCTCAGAGGTAAAGGACCACTCAAAAATACATCGGATGTCATCAGTGCTGCCAAGAAA-3'

ClinVar aggregate classification (germline): Likely benign. Review status: criteria provided, multiple submitters, no conflicts (2 of 4 stars). 2 submissions from 2 submitters: Likely benign (2). Last evaluated 2026-02-03.

Conditions:
Hereditary diffuse gastric adenocarcinoma (HDGC). Also called: DIFFUSE GASTRIC AND LOBULAR BREAST CANCER SYNDROME. Identifiers: Orphanet 26106, MedGen C1708349, MONDO:0007648, OMIM 137215.

Submissions (2):

Labcorp Genetics (formerly Invitae), Labcorp
Classification: Likely benign. Last evaluated: 2026-02-03. Review status: criteria provided, single submitter. Criteria: Invitae Variant Classification Sherloc (09022015). Collection method: clinical testing. Allele origin: germline.

Myriad Genetics, Inc.
Classification: Likely benign for Hereditary diffuse gastric adenocarcinoma. Last evaluated: 2024-10-15. Review status: criteria provided, single submitter. Criteria: Myriad Autosomal Dominant, Autosomal Recessive and X-Linked Classification Criteria (2023). Collection method: clinical testing. Allele origin: unknown.
Comment: This variant is considered likely benign. This variant is intronic and is not expected to impact mRNA splicing.